The following is an entry in ClinVar:

ClinVar aggregate classification (germline): Conflicting classifications of pathogenicity. Review status: criteria provided, conflicting classifications (1 of 4 stars). 2 submissions from 2 submitters: Uncertain significance (1); Likely benign (1). Last evaluated 2026-04-16.

Conditions:
Hereditary cancer-predisposing syndrome. Also called: Tumor predisposition; Hereditary neoplastic syndrome; Neoplastic Syndromes, Hereditary; Hereditary Cancer Syndrome. Identifiers: Orphanet 140162, MedGen C0027672, MeSH D009386, MONDO:0015356.
Cardiovascular phenotype. Identifiers: MedGen CN230736.
Neurofibromatosis, type 1 (NF1). Also called: Neurofibromatosis, type I; VON RECKLINGHAUSEN DISEASE; NEUROFIBROMATOSIS, TYPE I, SOMATIC; Peripheral type neurofibromatosis. Identifiers: Orphanet 636, MedGen C0027831, MONDO:0018975, OMIM 162200. Disease mechanism: loss of function.

Allele frequency attached by ClinVar (database versions not stated): gnomAD exomes below 0.00001.
gnomAD v4.1: 1 of 1,613,932 alleles (0.000062%); highest among the groups gnomAD compares: African/African-American, 0.0013%; no homozygotes.

Submissions (2):

Ambry Genetics
Classification: Likely benign for Cardiovascular phenotype; Hereditary cancer-predisposing syndrome. Last evaluated: 2026-04-16. Review status: criteria provided, single submitter. Criteria: Ambry Variant Classification Scheme 2023. Collection method: clinical testing. Allele origin: germline.

Labcorp Genetics (formerly Invitae), Labcorp
Classification: Uncertain significance for Neurofibromatosis, type 1. Last evaluated: 2023-04-07. Review status: criteria provided, single submitter. Criteria: Invitae Variant Classification Sherloc (09022015). Collection method: clinical testing. Allele origin: germline.
Comment: This sequence change replaces isoleucine, which is neutral and non-polar, with valine, which is neutral and non-polar, at codon 2542 of the NF1 protein (p.Ile2542Val). This variant is not present in population databases (gnomAD no frequency). This variant has not been reported in the literature in individuals affected with NF1-related conditions. ClinVar contains an entry for this variant (Variation ID: 485959). Advanced modeling of protein sequence and biophysical properties (such as structural, functional, and spatial information, amino acid conservation, physicochemical variation, residue mobility, and thermodynamic stability) performed at Invitae indicates that this missense variant is not expected to disrupt NF1 protein function. In summary, the available evidence is currently insufficient to determine the role of this variant in disease. Therefore, it has been classified as a Variant of Uncertain Significance.

NM_001042492.3(NF1):c.7687A>G (p.Ile2563Val)

Gene: NF1 (neurofibromin 1; plus strand). Cytogenetic location: 17q11.2.
Variant type: single nucleotide variant.
Coding change: c.7687A>G on transcript NM_001042492.3 (MANE Select); coding-DNA position 7687, A replaced by G.
Protein change: p.Ile2563Val; replaces isoleucine 2563 with valine.
Molecular consequence: missense variant.
Genome position (GRCh38, 1-based): chr17:31,356,531, A>G. VCF-style: chr17-31356531-A-G. GRCh37 (hg19) VCF-style: chr17-29683549-A-G.
Other names: c.7624A>G, p.Ile2542Val (NM_000267.4); short protein forms I2542V, I2563V.
Identifiers: ClinVar variation 485959 (VCV000485959.12), dbSNP rs1555536648, ClinGen allele CA399018132.